The following is an entry in ClinVar:

NM_020975.6(RET):c.2001A>T (p.Pro667=)

Gene: RET (ret proto-oncogene; plus strand). Cytogenetic location: 10q11.21.
Variant type: single nucleotide variant.
Coding change: c.2001A>T on transcript NM_020975.6 (MANE Select); coding-DNA position 2001, A replaced by T.
Protein change: p.Pro667=; no amino-acid change (proline 667 retained).
Molecular consequence: synonymous variant. On other transcripts: intron variant (4).
Genome position (GRCh38, 1-based): chr10:43,114,601, A>T. VCF-style: chr10-43114601-A-T. GRCh37 (hg19) VCF-style: chr10-43610049-A-T.
Other names: c.2001A>T, p.Pro667= (NM_000323.2, NM_001406743.1, NM_001406744.1 and 4 more transcripts); c.1239A>T, p.Pro413= (NM_001355216.2); c.1872A>T, p.Pro624= (NM_001406761.1, NM_001406762.1, NM_001406764.1); c.1713A>T, p.Pro571= (NM_001406766.1, NM_001406767.1, NM_001406770.1); c.1605A>T, p.Pro535= (NM_001406769.1, NM_001406772.1); c.1563A>T, p.Pro521= (NM_001406771.1, NM_001406773.1); c.1476A>T, p.Pro492= (NM_001406774.1); c.1275A>T, p.Pro425= (NM_001406775.1, NM_001406776.1, NM_001406777.1 and 1 more transcripts); and 10 more.
Identifiers: ClinVar variation 136106 (VCV000136106.20), dbSNP rs563316790, ClinGen allele CA008540.

ClinVar aggregate classification (germline): Benign/Likely benign. Review status: criteria provided, multiple submitters, no conflicts (2 of 4 stars). 6 submissions from 6 submitters: Benign (1); Likely benign (5). Last evaluated 2026-06-24.

Conditions:
RET-related disorder. Also called: RET-related condition; RET-related disease; RET-related disorders.
Hereditary cancer-predisposing syndrome. Also called: Neoplastic Syndromes, Hereditary; Tumor predisposition; Hereditary Cancer Syndrome; Hereditary neoplastic syndrome. Identifiers: Orphanet 140162, MedGen C0027672, MeSH D009386, MONDO:0015356.
Multiple endocrine neoplasia, type 2 (MEN2). Identifiers: Orphanet 653, MedGen C4048306, MONDO:0019003. Disease mechanism: gain of function.
Multiple endocrine neoplasia type 2A. Also called: MULTIPLE ENDOCRINE NEOPLASIA, TYPE IIA; PTC SYNDROME; SIPPLE SYNDROME; MEN 2A; MEN-2A syndrome; Pheochromocytoma and amyloid producing medullary thyroid carcinoma. Identifiers: Orphanet 247698, Orphanet 653, MedGen C0025268, MeSH D018813, MONDO:0008234, OMIM 171400.

Allele frequency attached by ClinVar (database versions not stated): gnomAD exomes 0.00001 and 0.00008; TOPMed 0.00003; gnomAD 0.00004 and 0.00005; ExAC 0.00006; 1000 Genomes Project 30x 0.00016; 1000 Genomes Project 0.00020.
gnomAD v4.1: 28 of 1,612,184 alleles (0.0017%); highest among the groups gnomAD compares: East Asian, 0.051%; no homozygotes.

Submissions (6):

PreventionGenetics, part of Exact Sciences
Classification: Likely benign for RET-related condition. Last evaluated: 2026-06-24. Review status: criteria provided, single submitter. Criteria: ACMG Guidelines, 2015. Collection method: clinical testing. Allele origin: germline.
Comment: This variant is classified as likely benign based on ACMG/AMP sequence variant interpretation guidelines (Richards et al. 2015 PMID: 25741868, with internal and published modifications).

Labcorp Genetics (formerly Invitae), Labcorp
Classification: Likely benign for Multiple endocrine neoplasia, type 2. Last evaluated: 2026-01-28. Review status: criteria provided, single submitter. Criteria: Invitae Variant Classification Sherloc (09022015). Collection method: clinical testing. Allele origin: germline.

Myriad Genetics, Inc.
Classification: Likely benign for Multiple endocrine neoplasia type 2A. Last evaluated: 2024-08-12. Review status: criteria provided, single submitter. Criteria: Myriad Autosomal Dominant, Autosomal Recessive and X-Linked Classification Criteria (2023). Collection method: clinical testing. Allele origin: unknown.
Comment: This variant is considered likely benign. This variant has been observed at a population frequency that is significantly greater than expected given the associated disease prevalence and penetrance.

All of Us Research Program, National Institutes of Health
Classification: Likely benign for Multiple endocrine neoplasia, type 2. Last evaluated: 2023-12-13. Review status: criteria provided, single submitter. Criteria: ACMG Guidelines, 2015. Collection method: clinical testing. Allele origin: germline. Inheritance: Autosomal dominant inheritance. Observed: 3 variant alleles, 3 heterozygotes.
Comment: This study involves interpretation of variants in research participants for the purpose of population health screening. Participant phenotype was not available at the time of variant classification. Additional details can be found in publication PMID: 35346344, PMCID: PMC8962531

Color Diagnostics, LLC DBA Color Health
Classification: Likely benign for Multiple endocrine neoplasia, type 2. Last evaluated: 2023-01-18. Review status: criteria provided, single submitter. Criteria: ACMG Guidelines, 2015. Collection method: clinical testing. Allele origin: germline.

Ambry Genetics
Classification: Benign for Hereditary cancer-predisposing syndrome. Last evaluated: 2022-01-27. Review status: criteria provided, single submitter. Criteria: Ambry Variant Classification Scheme 2023. Collection method: clinical testing. Allele origin: germline.

Literature cited by the submitters: PubMed 23084198 (cited by Ambry Genetics).